The following is an entry in ClinVar:

NM_032193.4(RNASEH2C):c.*85G>A

Gene: RNASEH2C (ribonuclease H2 subunit C; minus strand). Cytogenetic location: 11q13.1.
Variant type: single nucleotide variant.
Coding change: c.*85G>A on transcript NM_032193.4 (MANE Select); 85 bases downstream of the stop codon, G replaced by A.
Molecular consequence: 3 prime UTR variant.
Genome position (GRCh38, 1-based): chr11:65,719,698, C>T on the plus strand (G>A on the coding strand, the complement: RNASEH2C is on the minus strand). VCF-style: chr11-65719698-C-T. GRCh37 (hg19) VCF-style: chr11-65487169-C-T.
Identifiers: ClinVar variation 5001436 (VCV005001436.1).

ClinVar aggregate classification (germline): Likely benign (1 of 4 stars; one submission).

Conditions:
RNASEH2C-related disorder. Also called: RNASEH2C-related condition.

Submission:

PreventionGenetics, part of Exact Sciences
Classification: Likely benign for RNASEH2C-related condition. Last evaluated: 2026-04-28. Review status: criteria provided, single submitter. Criteria: ACMG Guidelines, 2015. Collection method: clinical testing. Allele origin: germline.
Comment: This variant is classified as likely benign based on ACMG/AMP sequence variant interpretation guidelines (Richards et al. 2015 PMID: 25741868, with internal and published modifications).